The following continues an entry in ClinVar:

NM_000492.4(CFTR):c.3409A>G (p.Met1137Val)

ClinVar aggregate classification (germline): Conflicting classifications of pathogenicity. Likely pathogenic (9); Uncertain significance (6).

Submissions 10 to 17 of 17:

Labcorp Genetics (formerly Invitae), Labcorp
Classification: Uncertain significance for Cystic fibrosis. Last evaluated: 2022-07-27. Review status: criteria provided, single submitter. Criteria: Invitae Variant Classification Sherloc (09022015). Collection method: clinical testing. Allele origin: germline.
Comment: This sequence change replaces methionine, which is neutral and non-polar, with valine, which is neutral and non-polar, at codon 1137 of the CFTR protein (p.Met1137Val). This variant is present in population databases (rs397508553, gnomAD 0.005%). This missense change has been observed in individual(s) with cystic fibrosis, bronchiectasis, congenital bilateral absence of vas deferens and hypertrypsinaemia (PMID: 7543317, 9921909, 11303517, 12454843, 22678879, 25910067, 26436105). ClinVar contains an entry for this variant (Variation ID: 53733). Algorithms developed to predict the effect of missense changes on protein structure and function (SIFT, PolyPhen-2, Align-GVGD) all suggest that this variant is likely to be tolerated. Experimental studies have shown that this missense change affects CFTR function (PMID: 26436105). In summary, the available evidence is currently insufficient to determine the role of this variant in disease. Therefore, it has been classified as a Variant of Uncertain Significance.

Department of Pathology and Laboratory Medicine, Sinai Health System
Classification: Likely pathogenic for cystic fibrosis. Last evaluated: 2022-04-01. Review status: criteria provided, single submitter. Criteria: ACMG Guidelines, 2015. Collection method: research. Allele origin: germline.

AiLife Diagnostics
Classification: Uncertain significance. Last evaluated: 2022-03-03. Review status: criteria provided, single submitter. Criteria: ACMG Guidelines, 2015. Collection method: clinical testing. Allele origin: germline. Affected: yes. Observed: 1 variant allele.

Genome-Nilou Lab
Classification: Uncertain significance for Cystic fibrosis. Last evaluated: 2021-07-14. Review status: criteria provided, single submitter. Criteria: ACMG Guidelines, 2015. Collection method: clinical testing. Allele origin: germline. Affected: no.

Dubai Health Genomic Medicine Center, Dubai Health
Classification: Likely pathogenic. Last evaluated: 2020-02-23. Review status: criteria provided, single submitter. Criteria: ACMG Guidelines, 2015. Collection method: clinical testing. Allele origin: germline. Affected: yes.
Comment: The p.Met1137Val variant in CFTR has been identified in compound heterozygous state with another possibly pathogenic CFTR variant in individuals with nonclassic CF neonatal hypertrypsinaemia CBAVD and CFTR-related disorders (PMID: 22678879 19587087 11303517 25910067). This variant was also identified in the heterozygous state in patients with non-CF pulmonary phenotype (PMID: 9921909 8644755 7543317). The variant has been found to cause partially defective cAMP-induced chloride conduction in electrophysiological assays (PMID:9804160) though protein processing and glycosylation were not affected. The p.M1137V variant is observed in 10/128924 (0.008% 0 homozygotes) Euroepan Non Finnish alleles and in 3/1986 (0.15%) alleles in the Greater Middle East (GME) variome database. This allele frequency is relatively not high for recessive inheritance. In summary more information is needed to determine the clinical significance of this varinat though based on the above we lean more towards a likely pathogenic role.

Kariminejad - Najmabadi Pathology & Genetics Center
Classification: Likely pathogenic for Cystic fibrosis. Review status: criteria provided, single submitter. Criteria: ACMG Guidelines, 2015. Collection method: clinical testing. Allele origin: germline. Affected: no.

ClinVar Staff, National Center for Biotechnology Information (NCBI)
No classification provided. Condition: CFTR-related disorders. Review status: no classification provided. Collection method: literature only. Allele origin: germline. Affected: yes. Not counted in ClinVar's aggregate classification.

MAGI's Lab - Research, MAGI Group
Classification: Uncertain significance for Infertility disorder. Review status: no assertion criteria provided. Collection method: provider interpretation. Allele origin: germline. Affected: yes. Not counted in ClinVar's aggregate classification.

Literature cited by the submitters: PubMed 7543317 (cited by 3 submitters); PubMed 9921909 (cited by Women's Health and Genetics/Laboratory Corporation of America, LabCorp and Labcorp Genetics (formerly Invitae), Labcorp); PubMed 8644755 (cited by Women's Health and Genetics/Laboratory Corporation of America, LabCorp); PubMed 12940920 (cited by Women's Health and Genetics/Laboratory Corporation of America, LabCorp); PubMed 9804160 (cited by 4 submitters); PubMed 22678879 (cited by 4 submitters); PubMed 11303517 (cited by 4 submitters); PubMed 20932301 (cited by Women's Health and Genetics/Laboratory Corporation of America, LabCorp and Dasa); PubMed 11504857 (cited by Women's Health and Genetics/Laboratory Corporation of America, LabCorp); PubMed 16442101 (cited by Women's Health and Genetics/Laboratory Corporation of America, LabCorp); PubMed 25735457 (cited by Women's Health and Genetics/Laboratory Corporation of America, LabCorp); PubMed 12529713 (cited by Women's Health and Genetics/Laboratory Corporation of America, LabCorp); PubMed 25910067 (cited by 6 submitters); PubMed 12454843 (cited by Women's Health and Genetics/Laboratory Corporation of America, LabCorp and Labcorp Genetics (formerly Invitae), Labcorp); PubMed 19587087 (cited by 3 submitters); PubMed 26436105 (cited by 3 submitters); PubMed 11845002 (cited by Women's Health and Genetics/Laboratory Corporation of America, LabCorp); PubMed 30488522 (cited by 3 submitters); PubMed 34426522 (cited by Women's Health and Genetics/Laboratory Corporation of America, LabCorp); PubMed 34405919 (cited by Women's Health and Genetics/Laboratory Corporation of America, LabCorp); PubMed 34996830 (cited by Women's Health and Genetics/Laboratory Corporation of America, LabCorp); PubMed 22573477 (cited by Women's Health and Genetics/Laboratory Corporation of America, LabCorp); PubMed 34740355 (cited by Women's Health and Genetics/Laboratory Corporation of America, LabCorp); PubMed 38388235 (cited by Women's Health and Genetics/Laboratory Corporation of America, LabCorp); PubMed 39532587 (cited by Women's Health and Genetics/Laboratory Corporation of America, LabCorp); PubMed 38452742 (cited by Women's Health and Genetics/Laboratory Corporation of America, LabCorp); PubMed 33988008 (cited by Women's Health and Genetics/Laboratory Corporation of America, LabCorp); PubMed 18597042 (cited by Women's Health and Genetics/Laboratory Corporation of America, LabCorp); PubMed 9192947 (cited by Women's Health and Genetics/Laboratory Corporation of America, LabCorp); PubMed 23791427 (cited by Women's Health and Genetics/Laboratory Corporation of America, LabCorp and Ambry Genetics); PubMed 921909 (cited by Dasa); PubMed 34995514 (cited by Ambry Genetics).